The following is an entry in ClinVar:

ClinVar aggregate classification (germline): Likely benign (1 of 4 stars; one submission).

Conditions:
SCAPER-related disorder. Also called: SCAPER-related condition.

gnomAD v4.1: 10 of 1,608,914 alleles (0.00062%); highest among the groups gnomAD compares: African/African-American, 0.012%; no homozygotes.

Submission:

PreventionGenetics, part of Exact Sciences
Classification: Likely benign for SCAPER-related condition. Last evaluated: 2025-08-06. Review status: criteria provided, single submitter. Criteria: ACMG Guidelines, 2015. Collection method: clinical testing. Allele origin: germline.
Comment: This variant is classified as likely benign based on ACMG/AMP sequence variant interpretation guidelines (Richards et al. 2015 PMID: 25741868, with internal and published modifications).

NM_020843.4(SCAPER):c.1377C>T (p.Asn459=)

Gene: SCAPER (S-phase cyclin A associated protein in the ER; minus strand). Cytogenetic location: 15q24.3.
Variant type: single nucleotide variant.
Coding change: c.1377C>T on transcript NM_020843.4 (MANE Select); coding-DNA position 1377, C replaced by T.
Protein change: p.Asn459=; no amino-acid change (asparagine 459 retained).
Molecular consequence: synonymous variant. On other transcripts: non-coding transcript variant (1).
Genome position (GRCh38, 1-based): chr15:76,766,960, G>A on the plus strand (C>T on the coding strand, the complement: SCAPER is on the minus strand). VCF-style: chr15-76766960-G-A. GRCh37 (hg19) VCF-style: chr15-77059301-G-A.
Other names: c.639C>T, p.Asn213= (NM_001145923.2); c.1395C>T, p.Asn465= (NM_001353009.2); c.975C>T, p.Asn325= (NM_001353010.2, NM_001353012.2); c.993C>T, p.Asn331= (NM_001353011.2).
Identifiers: ClinVar variation 4979738 (VCV004979738.1).